The following is an entry in ClinVar:

NM_005560.6(LAMA5):c.2668C>T (p.Arg890Cys)

Gene: LAMA5 (laminin subunit alpha 5; minus strand). Cytogenetic location: 20q13.33.
Variant type: single nucleotide variant.
Coding change: c.2668C>T on transcript NM_005560.6 (MANE Select); coding-DNA position 2668, C replaced by T.
Protein change: p.Arg890Cys; replaces arginine 890 with cysteine.
Molecular consequence: missense variant.
Genome position (GRCh38, 1-based): chr20:62,334,257, G>A on the plus strand (C>T on the coding strand, the complement: LAMA5 is on the minus strand). VCF-style: chr20-62334257-G-A. GRCh37 (hg19) VCF-style: chr20-60909313-G-A.
Other names: c.2668C>T (NM_005560.4); short protein forms R890C.
Identifiers: ClinVar variation 2363682 (VCV002363682.4), dbSNP rs761635261, ClinGen allele CA9943374.

ClinVar aggregate classification (germline): Uncertain significance. Review status: criteria provided, multiple submitters, no conflicts (2 of 4 stars). 3 submissions from 3 submitters: Uncertain significance (2). 1 of the submissions does not count toward it. Last evaluated 2023-07-21.

Conditions:
Inborn genetic diseases. Identifiers: MedGen C0950123, MeSH D030342.
LAMA5-related disorder. Also called: LAMA5-related condition; LAMA5-Related Disorders.

Allele frequency attached by ClinVar (database versions not stated): ExAC 0.00013.
gnomAD v4.1: 95 of 1,612,682 alleles (0.0059%); highest among the groups gnomAD compares: Middle Eastern, 0.099%; no homozygotes.

Submissions (3):

Labcorp Genetics (formerly Invitae), Labcorp
Classification: Uncertain significance. Last evaluated: 2023-07-21. Review status: criteria provided, single submitter. Criteria: Invitae Variant Classification Sherloc (09022015). Collection method: clinical testing. Allele origin: germline.
Comment: This sequence change replaces arginine, which is basic and polar, with cysteine, which is neutral and slightly polar, at codon 890 of the LAMA5 protein (p.Arg890Cys). This variant is present in population databases (rs761635261, gnomAD 0.09%). In summary, the available evidence is currently insufficient to determine the role of this variant in disease. Therefore, it has been classified as a Variant of Uncertain Significance. An algorithm developed to predict the effect of missense changes on protein structure and function (PolyPhen-2) suggests that this variant is likely to be disruptive. ClinVar contains an entry for this variant (Variation ID: 2363682). This variant has not been reported in the literature in individuals affected with LAMA5-related conditions.

Ambry Genetics
Classification: Uncertain significance for Inborn genetic diseases. Last evaluated: 2022-08-26. Review status: criteria provided, single submitter. Criteria: Ambry Variant Classification Scheme 2023. Collection method: clinical testing. Allele origin: germline.

PreventionGenetics, part of Exact Sciences
Classification: Uncertain significance for LAMA5-related condition. Last evaluated: 2024-03-20. Review status: no assertion criteria provided. Collection method: clinical testing. Allele origin: germline. Not counted in ClinVar's aggregate classification.
Comment: The LAMA5 c.2668C>T variant is predicted to result in the amino acid substitution p.Arg890Cys. To our knowledge, this variant has not been reported in the literature. This variant is reported in 0.088% of alleles in individuals of Latino descent in gnomAD. At this time, the clinical significance of this variant is uncertain due to the absence of conclusive functional and genetic evidence.